The following is an entry in ClinVar:

ClinVar aggregate classification (germline): Uncertain significance (1 of 4 stars; one submission).

Submission:

GeneDx
Classification: Uncertain significance. Last evaluated: 2024-03-29. Review status: criteria provided, single submitter. Criteria: GeneDx Variant Classification Process June 2021. Collection method: clinical testing. Allele origin: germline. Affected: yes.
Comment: Not observed at significant frequency in large population cohorts (gnomAD); In silico analysis supports that this missense variant does not alter protein structure/function; Has not been previously published as pathogenic or benign to our knowledge

NM_003070.5(SMARCA2):c.2190G>T (p.Gln730His)

Gene: SMARCA2 (SWI/SNF related BAF chromatin remodeling complex subunit ATPase 2; plus strand). Cytogenetic location: 9p24.3.
Variant type: single nucleotide variant.
Coding change: c.2190G>T on transcript NM_003070.5 (MANE Select); coding-DNA position 2190, G replaced by T.
Protein change: p.Gln730His; replaces glutamine 730 with histidine.
Molecular consequence: missense variant.
Genome position (GRCh38, 1-based): chr9:2,081,837, G>T. VCF-style: chr9-2081837-G-T. GRCh37 (hg19) VCF-style: chr9-2081837-G-T.
Other names: c.2190G>T, p.Gln730His (NM_001289396.2, NM_001289397.2, NM_139045.4); short protein forms Q730H.
Identifiers: ClinVar variation 3371736 (VCV003371736.1).